The following is an entry in ClinVar:

ClinVar aggregate classification (germline): Likely pathogenic. Review status: criteria provided, multiple submitters, no conflicts (2 of 4 stars). 3 submissions from 3 submitters: Likely pathogenic (3). Last evaluated 2025-06-23.

Conditions:
Autosomal recessive nonsyndromic hearing loss 9. Also called: OTOF-Related Hearing Loss; AUDITORY NEUROPATHY, AUTOSOMAL RECESSIVE, 1, TEMPERATURE-SENSITIVE; Deafness, autosomal recessive 9; NEUROSENSORY NONSYNDROMIC RECESSIVE DEAFNESS 9. Identifiers: Orphanet 90636, MedGen C1832828, MONDO:0010986, OMIM 601071.

Allele frequency attached by ClinVar (database versions not stated): ExAC 0.00001.
gnomAD v4.1: 5 of 1,613,872 alleles (0.00031%); highest among the groups gnomAD compares: South Asian, 0.0022%; no homozygotes.

Submissions (3):

GeneDx
Classification: Likely pathogenic. Last evaluated: 2025-06-23. Review status: criteria provided, single submitter. Criteria: GeneDx Variant Classification Process June 2021. Collection method: clinical testing. Allele origin: germline. Affected: yes.
Comment: Not observed at significant frequency in large population cohorts (gnomAD); In silico analysis supports that this missense variant has a deleterious effect on protein structure/function; This variant is associated with the following publications: (PMID: 28964305, 35346193, 34519870, 31579092, 34599366, 39467922)

Medical Molecular Genetics Department, National Research Center
Classification: Likely pathogenic for Autosomal recessive nonsyndromic hearing loss 9. Last evaluated: 2024-01-02. Review status: criteria provided, single submitter. Criteria: ACMG Guidelines, 2015. Collection method: clinical testing. Allele origin: germline. Affected: yes.

Labcorp Genetics (formerly Invitae), Labcorp
Classification: Likely pathogenic. Last evaluated: 2022-08-16. Review status: criteria provided, single submitter. Criteria: Invitae Variant Classification Sherloc (09022015). Collection method: clinical testing. Allele origin: germline.
Comment: Algorithms developed to predict the effect of missense changes on protein structure and function are either unavailable or do not agree on the potential impact of this missense change (SIFT: "Deleterious"; PolyPhen-2: "Not Available"; Align-GVGD: "Class C65"). This missense change has been observed in individuals with deafness (PMID: 28964305; Invitae). It has also been observed to segregate with disease in related individuals. This variant is present in population databases (rs778354646, gnomAD 0.007%). This sequence change replaces arginine, which is basic and polar, with tryptophan, which is neutral and slightly polar, at codon 1735 of the MYO15A protein (p.Arg1735Trp). In summary, the currently available evidence indicates that the variant is pathogenic, but additional data are needed to prove that conclusively. Therefore, this variant has been classified as Likely Pathogenic.

Literature cited by the submitters: PubMed 28964305 (cited by Labcorp Genetics (formerly Invitae), Labcorp).

NM_016239.4(MYO15A):c.5203C>T (p.Arg1735Trp)

Gene: MYO15A (myosin XVA; plus strand). Cytogenetic location: 17p11.2.
Variant type: single nucleotide variant.
Coding change: c.5203C>T on transcript NM_016239.4 (MANE Select); coding-DNA position 5203, C replaced by T.
Protein change: p.Arg1735Trp; replaces arginine 1735 with tryptophan.
Molecular consequence: missense variant.
Genome position (GRCh38, 1-based): chr17:18,139,603, C>T. VCF-style: chr17-18139603-C-T. GRCh37 (hg19) VCF-style: chr17-18042917-C-T.
Other names: c.5203C>T (NM_016239.3); short protein forms R1735W.
Identifiers: ClinVar variation 1918155 (VCV001918155.8), dbSNP rs778354646, ClinGen allele CA8424178.